The following is an entry in ClinVar:

ClinVar aggregate classification (germline): Likely benign. Review status: criteria provided, multiple submitters, no conflicts (2 of 4 stars). 2 submissions from 2 submitters: Likely benign (2). Last evaluated 2026-07-27.

Conditions:
COL2A1-related disorder. Also called: COL2A1-related condition; COL2A1-related disorders.

gnomAD v4.1: 62 of 768,490 alleles (0.0081%); highest among the groups gnomAD compares: African/African-American, 0.046%; no homozygotes.

Submissions (2):

PreventionGenetics, part of Exact Sciences
Classification: Likely benign for COL2A1-related condition. Last evaluated: 2026-07-27. Review status: criteria provided, single submitter. Criteria: ACMG Guidelines, 2015. Collection method: clinical testing. Allele origin: germline.
Comment: This variant is classified as likely benign based on ACMG/AMP sequence variant interpretation guidelines (Richards et al. 2015 PMID: 25741868, with internal and published modifications).

Blueprint Genetics
Classification: Likely benign. Last evaluated: 2024-09-13. Review status: criteria provided, single submitter. Criteria: ACMG Guidelines, 2015. Collection method: clinical testing. Allele origin: germline.

NM_001844.5(COL2A1):c.1527+132C>T

Gene: COL2A1 (collagen type II alpha 1 chain; minus strand). Cytogenetic location: 12q13.11.
Variant type: single nucleotide variant.
Coding change: c.1527+132C>T on transcript NM_001844.5 (MANE Select); 132 bases into the intron after coding-DNA position 1527, C replaced by T.
Molecular consequence: intron variant.
Genome position (GRCh38, 1-based): chr12:47,986,204, G>A on the plus strand (C>T on the coding strand, the complement: COL2A1 is on the minus strand). VCF-style: chr12-47986204-G-A. GRCh37 (hg19) VCF-style: chr12-48379987-G-A.
Other names: c.1320+132C>T (NM_033150.3); c.1527+132C>T (NM_001844.4).
Identifiers: ClinVar variation 4916424 (VCV004916424.2).